The following is an entry in ClinVar:

ClinVar aggregate classification (germline): Uncertain significance. Review status: criteria provided, multiple submitters, no conflicts (2 of 4 stars). 2 submissions from 2 submitters: Uncertain significance (2). Last evaluated 2024-09-20.

Conditions:
Hereditary cancer-predisposing syndrome. Also called: Neoplastic Syndromes, Hereditary; Tumor predisposition; Hereditary Cancer Syndrome; Hereditary neoplastic syndrome. Identifiers: Orphanet 140162, MedGen C0027672, MeSH D009386, MONDO:0015356.
Familial cancer of breast. Also called: BREAST CANCER, FAMILIAL; Hereditary breast cancer; hereditary breast carcinoma. Identifiers: Orphanet 227535, MedGen C0346153, MONDO:0016419, OMIM 114480. Disease mechanism: loss of function.

Submissions (2):

Ambry Genetics
Classification: Uncertain significance for Hereditary cancer-predisposing syndrome. Last evaluated: 2024-09-20. Review status: criteria provided, single submitter. Criteria: Ambry Variant Classification Scheme 2023. Collection method: clinical testing. Allele origin: germline.
Comment: The p.D772V variant (also known as c.2315A>T), located in coding exon 5 of the PALB2 gene, results from an A to T substitution at nucleotide position 2315. The aspartic acid at codon 772 is replaced by valine, an amino acid with highly dissimilar properties. This amino acid position is conserved. In addition, this alteration is predicted to be tolerated by in silico analysis. Based on the available evidence, the clinical significance of this variant remains unclear.

Labcorp Genetics (formerly Invitae), Labcorp
Classification: Uncertain significance for Familial cancer of breast. Last evaluated: 2024-06-03. Review status: criteria provided, single submitter. Criteria: Invitae Variant Classification Sherloc (09022015). Collection method: clinical testing. Allele origin: germline.
Comment: This sequence change replaces aspartic acid, which is acidic and polar, with valine, which is neutral and non-polar, at codon 772 of the PALB2 protein (p.Asp772Val). This variant is not present in population databases (gnomAD no frequency). This variant has not been reported in the literature in individuals affected with PALB2-related conditions. Advanced modeling of protein sequence and biophysical properties (such as structural, functional, and spatial information, amino acid conservation, physicochemical variation, residue mobility, and thermodynamic stability) performed at Invitae indicates that this missense variant is not expected to disrupt PALB2 protein function with a negative predictive value of 80%. In summary, the available evidence is currently insufficient to determine the role of this variant in disease. Therefore, it has been classified as a Variant of Uncertain Significance.

NM_024675.4(PALB2):c.2315A>T (p.Asp772Val)

Gene: PALB2 (partner and localizer of BRCA2; minus strand). Cytogenetic location: 16p12.2.
Variant type: single nucleotide variant.
Coding change: c.2315A>T on transcript NM_024675.4 (MANE Select); coding-DNA position 2315, A replaced by T.
Protein change: p.Asp772Val; replaces aspartic acid 772 with valine.
Molecular consequence: missense variant. On other transcripts: intron variant (1).
Genome position (GRCh38, 1-based): chr16:23,629,839, T>A on the plus strand (A>T on the coding strand, the complement: PALB2 is on the minus strand). VCF-style: chr16-23629839-T-A. GRCh37 (hg19) VCF-style: chr16-23641160-T-A.
Other names: c.2255A>T, p.Asp752Val (NM_001407296.1); c.2315A>T, p.Asp772Val (NM_001407297.1, NM_001407298.1, NM_001407299.1 and 3 more transcripts); c.1430A>T, p.Asp477Val (NM_001407304.1, NM_001407305.1, NM_001407306.1 and 5 more transcripts); c.527A>T, p.Asp176Val (NM_001407312.1, NM_001407313.1); c.49-564A>T (NM_001407314.1); short protein forms D477V, D176V, D772V, D752V.
Identifiers: ClinVar variation 3413469 (VCV003413469.3).
Genomic context (GRCh38, chr16:23,629,839, plus strand): 5'-GACACTTGCAGGGTGGTATGTGGTTTTGCTGGGCTGCCTGAACTGTCGAATTGTTTAGTA[T>A]CACTGGCAAGACAGACTGAGTCTTTCAAATGAGCAAGTTGGGGTGTGCAGCAAGTTCGTC-3'
Protein context (NP_078951.2, residues 762-782): HLKDSVCLAS[Asp772Val]TKQFDSSGSP